The following is an entry in ClinVar:

ClinVar aggregate classification (germline): Uncertain significance. Review status: criteria provided, multiple submitters, no conflicts (2 of 4 stars). 2 submissions from 2 submitters: Uncertain significance (2). Last evaluated 2025-12-30.

Allele frequency attached by ClinVar (database versions not stated): gnomAD exomes below 0.00001 and 0.00001; ExAC 0.00001.
gnomAD v4.1: 4 of 1,614,142 alleles (0.00025%); highest among the groups gnomAD compares: Admixed American, 0.0033%; no homozygotes.

Submissions (2):

Women's Health and Genetics/Laboratory Corporation of America, LabCorp
Classification: Uncertain significance. Last evaluated: 2025-12-30. Review status: criteria provided, single submitter. Criteria: LabCorp Variant Classification Summary - May 2015. Collection method: clinical testing. Allele origin: germline.
Comment: Variant summary: CTSK c.955G>T (p.Gly319Cys) results in a non-conservative amino acid change in the encoded protein sequence. Algorithms developed to predict the effect of missense changes on protein structure and function all suggest that this variant is likely to be disruptive. The variant allele was found at a frequency of 4e-06 in 251484 control chromosomes. c.955G>T has been observed as biallelic homozygous or compound heterozygous genotypes in at-least two individual(s) affected with Pyknodysostosis (example, Donnarumma_2007, Bizaoui_2019). These data indicate that the variant may be associated with disease. One publication reports experimental evidence evaluating an impact on protein function, however, does not allow convincing conclusions about the variant effect (Donnarumma_2019). The following publications have been ascertained in the context of this evaluation (PMID: 27558267, 31237352, 17397052). ClinVar contains an entry for this variant (Variation ID: 592964). Based on the evidence outlined above, the variant was classified as VUS-possibly pathogenic.

Eurofins Ntd Llc (ga)
Classification: Uncertain significance. Last evaluated: 2017-06-30. Review status: criteria provided, single submitter. Criteria: EGL Classification Definitions 2015. Collection method: clinical testing. Allele origin: germline. Observed: 2 variant alleles, 1 heterozygote, 1 homozygote.

Literature cited by the submitters: PubMed 27558267 (cited by Women's Health and Genetics/Laboratory Corporation of America, LabCorp); PubMed 31237352 (cited by Women's Health and Genetics/Laboratory Corporation of America, LabCorp); PubMed 17397052 (cited by Women's Health and Genetics/Laboratory Corporation of America, LabCorp).

NM_000396.4(CTSK):c.955G>T (p.Gly319Cys)

Gene: CTSK (cathepsin K; minus strand). Cytogenetic location: 1q21.3.
Variant type: single nucleotide variant.
Coding change: c.955G>T on transcript NM_000396.4 (MANE Select); coding-DNA position 955, G replaced by T.
Protein change: p.Gly319Cys; replaces glycine 319 with cysteine.
Molecular consequence: missense variant.
Genome position (GRCh38, 1-based): chr1:150,796,834, C>A on the plus strand (G>T on the coding strand, the complement: CTSK is on the minus strand). VCF-style: chr1-150796834-C-A. GRCh37 (hg19) VCF-style: chr1-150769310-C-A.
Other names: short protein forms G319C.
Identifiers: ClinVar variation 592964 (VCV000592964.6), dbSNP rs773116784, ClinGen allele CA1080384.
Genomic context (GRCh38, chr1:150,796,834, plus strand): 5'-GCAGGATGGATTTGGCTGGCTGGAGTCACATCTTGGGGAAGCTGGCCAGGTTGGCAATGC[C>A]ACAGGCGTTGTTCTTATTTCGAGCCATGAGGATATATCCTTTGTTTCCCCAGTTTTCTCC-3'
Protein context (NP_000387.1, residues 309-329): LMARNKNNAC[Gly319Cys]IANLASFPKM